The following is an entry in ClinVar:

NM_001292063.2(OTOG):c.8022G>A (p.Pro2674=)

Gene: OTOG (otogelin; plus strand). Cytogenetic location: 11p15.1.
Variant type: single nucleotide variant.
Coding change: c.8022G>A on transcript NM_001292063.2 (MANE Select); coding-DNA position 8022, G replaced by A.
Protein change: p.Pro2674=; no amino-acid change (proline 2674 retained).
Molecular consequence: synonymous variant.
Genome position (GRCh38, 1-based): chr11:17,640,923, G>A. VCF-style: chr11-17640923-G-A. GRCh37 (hg19) VCF-style: chr11-17662470-G-A.
Other names: c.8058G>A, p.Pro2686= (NM_001277269.2).
Identifiers: ClinVar variation 227803 (VCV000227803.19), dbSNP rs753850661, ClinGen allele CA5906219.

ClinVar aggregate classification (germline): Likely benign. Review status: criteria provided, multiple submitters, no conflicts (2 of 4 stars). 5 submissions from 5 submitters: Likely benign (5). Last evaluated 2026-04-01.

Allele frequency attached by ClinVar (database versions not stated): gnomAD exomes 0.00025; gnomAD 0.00027; TOPMed 0.00027; ExAC 0.00042.
gnomAD v4.1: 683 of 1,548,172 alleles (0.044%); highest among the groups gnomAD compares: Non-Finnish European, 0.054%; no homozygotes.

Submissions (5):

CeGaT Center for Human Genetics Tuebingen
Classification: Likely benign. Last evaluated: 2026-04-01. Review status: criteria provided, single submitter. Criteria: CeGaT Center For Human Genetics Tuebingen Variant Classification Criteria Version 2. Collection method: clinical testing. Allele origin: germline. Affected: yes. Observed: 2 variant alleles.
Comment: OTOG: BP4, BP7

Labcorp Genetics (formerly Invitae), Labcorp
Classification: Likely benign. Last evaluated: 2025-11-11. Review status: criteria provided, single submitter. Criteria: Invitae Variant Classification Sherloc (09022015). Collection method: clinical testing. Allele origin: germline.

Blueprint Genetics
Classification: Likely benign. Last evaluated: 2024-11-07. Review status: criteria provided, single submitter. Criteria: ACMG Guidelines, 2015. Collection method: clinical testing. Allele origin: germline.

GeneDx
Classification: Likely benign. Last evaluated: 2021-05-12. Review status: criteria provided, single submitter. Criteria: GeneDx Variant Classification Process June 2021. Collection method: clinical testing. Allele origin: germline. Affected: yes.

Laboratory for Molecular Medicine, Mass General Brigham Personalized Medicine
Classification: Likely benign. Last evaluated: 2015-07-16. Review status: criteria provided, single submitter. Criteria: LMM Criteria. Collection method: clinical testing. Allele origin: germline. Observed: 1 variant allele.
Comment: p.Pro2686Pro in exon 50 of OTOG: This variant is not expected to have clinical s ignificance because it does not alter an amino acid residue and is not located w ithin the splice consensus sequence. It has been identified in 6/14424 chromosom es by the Exome Aggregation Consortium (ExAC).